The following is an entry in ClinVar:

ClinVar aggregate classification (germline): Uncertain significance (1 of 4 stars; one submission).

Allele frequency attached by ClinVar (database versions not stated): gnomAD exomes below 0.00001.
gnomAD v4.1: 1 of 1,608,558 alleles (0.000062%); highest among the groups gnomAD compares: Non-Finnish European, 0.000085%; no homozygotes.

Submission:

Labcorp Genetics (formerly Invitae), Labcorp
Classification: Uncertain significance. Last evaluated: 2021-02-18. Review status: criteria provided, single submitter. Criteria: Invitae Variant Classification Sherloc (09022015). Collection method: clinical testing. Allele origin: germline.
Comment: This sequence change replaces alanine with threonine at codon 373 of the RORB protein (p.Ala373Thr). The alanine residue is moderately conserved and there is a small physicochemical difference between alanine and threonine. This variant is not present in population databases (ExAC no frequency). This variant has not been reported in the literature in individuals with RORB-related conditions. Algorithms developed to predict the effect of missense changes on protein structure and function (SIFT, PolyPhen-2, Align-GVGD) all suggest that this variant is likely to be tolerated, but these predictions have not been confirmed by published functional studies and their clinical significance is uncertain. In summary, the available evidence is currently insufficient to determine the role of this variant in disease. Therefore, it has been classified as a Variant of Uncertain Significance.

NM_006914.4(RORB):c.1117G>A (p.Ala373Thr)

Gene: RORB (RAR related orphan receptor B; plus strand). Cytogenetic location: 9q21.13.
Variant type: single nucleotide variant.
Coding change: c.1117G>A on transcript NM_006914.4 (MANE Select); coding-DNA position 1117, G replaced by A.
Protein change: p.Ala373Thr; replaces alanine 373 with threonine.
Molecular consequence: missense variant.
Genome position (GRCh38, 1-based): chr9:74,671,794, G>A. VCF-style: chr9-74671794-G-A. GRCh37 (hg19) VCF-style: chr9-77286710-G-A.
Other names: c.1150G>A, p.Ala384Thr (NM_001365023.1); short protein forms A373T, A384T.
Identifiers: ClinVar variation 1497340 (VCV001497340.8), dbSNP rs2118545782, ClinGen allele CA373771598.
Genomic context (GRCh38, chr9:74,671,794, plus strand): 5'-GTGAAGCAAAACAAAGTTGATGTTCCCTCCACTTACCCACTCTTTCTTTCATCAGACCGA[G>A]CCTGGCTTATAGAACCAAGGAAAGTCCAGAAGCTTCAGGAAAAAATTTATTTTGCACTTC-3'
Protein context (NP_008845.2, residues 363-383): SSAVLISPDR[Ala373Thr]WLIEPRKVQK